The following is an entry in ClinVar:

NM_052947.4(ALPK2):c.3476C>A (p.Thr1159Lys)

Gene: ALPK2 (alpha kinase 2; minus strand). Cytogenetic location: 18q21.31.
Variant type: single nucleotide variant.
Coding change: c.3476C>A on transcript NM_052947.4 (MANE Select); coding-DNA position 3476, C replaced by A.
Protein change: p.Thr1159Lys; replaces threonine 1159 with lysine.
Molecular consequence: missense variant.
Genome position (GRCh38, 1-based): chr18:58,536,711, G>T on the plus strand (C>A on the coding strand, the complement: ALPK2 is on the minus strand). VCF-style: chr18-58536711-G-T. GRCh37 (hg19) VCF-style: chr18-56203943-G-T.
Other names: short protein forms T1159K.
Identifiers: ClinVar variation 3529695 (VCV003529695.1).

ClinVar aggregate classification (germline): Uncertain significance (1 of 4 stars; one submission).

Submission:

Ambry Genetics
Classification: Uncertain significance. Last evaluated: 2024-08-15. Review status: criteria provided, single submitter. Criteria: Ambry Variant Classification Scheme 2023. Collection method: clinical testing. Allele origin: germline.
Comment: The p.T1159K variant (also known as c.3476C>A), located in coding exon 4 of the ALPK2 gene, results from a C to A substitution at nucleotide position 3476. The threonine at codon 1159 is replaced by lysine, an amino acid with similar properties. This amino acid position is conserved. In addition, this alteration is predicted to be tolerated by in silico analysis. Based on the available evidence, the clinical significance of this variant remains unclear.